The following is an entry in ClinVar:

NM_020975.6(RET):c.1118C>A (p.Ala373Glu)

Gene: RET (ret proto-oncogene; plus strand). Cytogenetic location: 10q11.21.
Variant type: single nucleotide variant.
Coding change: c.1118C>A on transcript NM_020975.6 (MANE Select); coding-DNA position 1118, C replaced by A.
Protein change: p.Ala373Glu; replaces alanine 373 with glutamic acid.
Molecular consequence: missense variant.
Genome position (GRCh38, 1-based): chr10:43,109,085, C>A. VCF-style: chr10-43109085-C-A. GRCh37 (hg19) VCF-style: chr10-43604533-C-A.
Other names: c.1118C>A, p.Ala373Glu (NM_000323.2, NM_001406743.1, NM_001406744.1 and 6 more transcripts); c.356C>A, p.Ala119Glu (NM_001355216.2); c.989C>A, p.Ala330Glu (NM_001406761.1, NM_001406762.1, NM_001406764.1 and 1 more transcripts); c.830C>A, p.Ala277Glu (NM_001406766.1, NM_001406767.1, NM_001406770.1); c.680C>A, p.Ala227Glu (NM_001406771.1, NM_001406773.1); c.392C>A, p.Ala131Glu (NM_001406775.1, NM_001406776.1, NM_001406777.1 and 1 more transcripts); c.128C>A, p.Ala43Glu (NM_001406784.1); short protein forms A119E, A373E, A330E, A131E, A277E, A43E, A227E.
Identifiers: ClinVar variation 936891 (VCV000936891.11), dbSNP rs546866208, ClinGen allele CA376547373.
Genomic context (GRCh38, chr10:43,109,085, plus strand): 5'-CTGCAGGGCTGGTTCTCAACCGGAACCTCTCCATCTCGGAGAACCGCACCATGCAGCTGG[C>A]GGTGCTGGTCAATGACTCAGACTTCCAGGGCCCAGGAGCGGGCGTCCTCTTGCTCCACTT-3'
Protein context (NP_066124.1, residues 363-383): SISENRTMQL[Ala373Glu]VLVNDSDFQG

ClinVar aggregate classification (germline): Uncertain significance. Review status: criteria provided, multiple submitters, no conflicts (2 of 4 stars). 2 submissions from 2 submitters: Uncertain significance (2). Last evaluated 2025-02-04.

Conditions:
Multiple endocrine neoplasia, type 2 (MEN2). Identifiers: Orphanet 653, MedGen C4048306, MONDO:0019003. Disease mechanism: gain of function.
Hereditary cancer-predisposing syndrome. Also called: Tumor predisposition; Hereditary neoplastic syndrome; Hereditary Cancer Syndrome; Neoplastic Syndromes, Hereditary. Identifiers: Orphanet 140162, MedGen C0027672, MeSH D009386, MONDO:0015356.

gnomAD v4.1: 2 of 1,613,756 alleles (0.00012%); highest among the groups gnomAD compares: Non-Finnish European, 0.00017%; no homozygotes.

Submissions (2):

Ambry Genetics
Classification: Uncertain significance for Hereditary cancer-predisposing syndrome. Last evaluated: 2025-02-04. Review status: criteria provided, single submitter. Criteria: Ambry Variant Classification Scheme 2023. Collection method: clinical testing. Allele origin: germline.
Comment: The p.A373E variant (also known as c.1118C>A), located in coding exon 6 of the RET gene, results from a C to A substitution at nucleotide position 1118. The alanine at codon 373 is replaced by glutamic acid, an amino acid with dissimilar properties. This amino acid position is not well conserved in available vertebrate species. In addition, this alteration is predicted to be tolerated by in silico analysis. Based on the available evidence, the clinical significance of this variant remains unclear.

Labcorp Genetics (formerly Invitae), Labcorp
Classification: Uncertain significance for Multiple endocrine neoplasia, type 2. Last evaluated: 2022-02-24. Review status: criteria provided, single submitter. Criteria: Invitae Variant Classification Sherloc (09022015). Collection method: clinical testing. Allele origin: germline.
Comment: This variant has not been reported in the literature in individuals affected with RET-related conditions. In summary, the available evidence is currently insufficient to determine the role of this variant in disease. Therefore, it has been classified as a Variant of Uncertain Significance. Algorithms developed to predict the effect of missense changes on protein structure and function (SIFT, PolyPhen-2, Align-GVGD) all suggest that this variant is likely to be tolerated. ClinVar contains an entry for this variant (Variation ID: 936891). This variant is not present in population databases (gnomAD no frequency). This sequence change replaces alanine, which is neutral and non-polar, with glutamic acid, which is acidic and polar, at codon 373 of the RET protein (p.Ala373Glu).